The following is an entry in ClinVar:

ClinVar aggregate classification (germline): Conflicting classifications of pathogenicity. Review status: criteria provided, conflicting classifications (1 of 4 stars). 2 submissions from 2 submitters: Uncertain significance (1); Likely benign (1). Last evaluated 2024-01-11.

Conditions:
Hereditary cancer-predisposing syndrome. Also called: Tumor predisposition; Neoplastic Syndromes, Hereditary; Hereditary Cancer Syndrome; Hereditary neoplastic syndrome. Identifiers: Orphanet 140162, MedGen C0027672, MeSH D009386, MONDO:0015356.
Fanconi anemia complementation group J. Also called: BRIP1-Related Fanconi Anemia. Identifiers: Orphanet 84, MedGen C1836860, MONDO:0012187, OMIM 609054.
Familial cancer of breast. Also called: BREAST CANCER, FAMILIAL; hereditary breast carcinoma; Hereditary breast cancer. Identifiers: Orphanet 227535, MedGen C0346153, MONDO:0016419, OMIM 114480. Disease mechanism: loss of function.

Allele frequency attached by ClinVar (database versions not stated): gnomAD exomes below 0.00001 and 0.00001; TOPMed below 0.00001.

Submissions (2):

Labcorp Genetics (formerly Invitae), Labcorp
Classification: Uncertain significance for Familial cancer of breast; Fanconi anemia complementation group J. Last evaluated: 2024-01-11. Review status: criteria provided, single submitter. Criteria: Invitae Variant Classification Sherloc (09022015). Collection method: clinical testing. Allele origin: germline.
Comment: This sequence change falls in intron 15 of the BRIP1 gene. It does not directly change the encoded amino acid sequence of the BRIP1 protein. It affects a nucleotide within the consensus splice site. This variant is present in population databases (no rsID available, gnomAD 0.002%). This variant has not been reported in the literature in individuals affected with BRIP1-related conditions. ClinVar contains an entry for this variant (Variation ID: 491437). Variants that disrupt the consensus splice site are a relatively common cause of aberrant splicing (PMID: 17576681, 9536098). Algorithms developed to predict the effect of sequence changes on RNA splicing suggest that this variant is not likely to affect RNA splicing. In summary, the available evidence is currently insufficient to determine the role of this variant in disease. Therefore, it has been classified as a Variant of Uncertain Significance.

Color Diagnostics, LLC DBA Color Health
Classification: Likely benign for Hereditary cancer-predisposing syndrome. Last evaluated: 2017-08-31. Review status: criteria provided, single submitter. Criteria: ACMG Guidelines, 2015. Collection method: clinical testing. Allele origin: germline.

Literature cited by the submitters: PubMed 17576681 (cited by Labcorp Genetics (formerly Invitae), Labcorp); PubMed 9536098 (cited by Labcorp Genetics (formerly Invitae), Labcorp).

NM_032043.3(BRIP1):c.2257+6_2257+7del

Gene: BRIP1 (BRCA1 interacting DNA helicase 1; minus strand). Cytogenetic location: 17q23.2.
Variant type: Deletion.
Coding change: c.2257+6_2257+7del on transcript NM_032043.3 (MANE Select); bases 6 to 7 of the intron after coding-DNA position 2257, 2 bases deleted (TG; older notation c.2257+6_2257+7delTG).
Molecular consequence: intron variant.
Genome position (GRCh38, 1-based): chr17:61,744,425-61,744,426, CA deleted on the plus strand (TG on the coding strand, the reverse complement: BRIP1 is on the minus strand). VCF-style (leftmost placement, unchanged base first): chr17-61744424-CCA-C. GRCh37 (hg19) VCF-style: chr17-59821785-CCA-C.
Other names: c.2257+6_2257+7delTG (NM_032043.2).
Identifiers: ClinVar variation 491437 (VCV000491437.13), dbSNP rs1255940179, ClinGen allele CA626801758.